The following is an entry in ClinVar:

NM_006514.4(SCN10A):c.2398G>T (p.Val800Phe)

Gene: SCN10A (sodium voltage-gated channel alpha subunit 10; minus strand). Cytogenetic location: 3p22.2.
Variant type: single nucleotide variant.
Coding change: c.2398G>T on transcript NM_006514.4 (MANE Select); coding-DNA position 2398, G replaced by T.
Protein change: p.Val800Phe; replaces valine 800 with phenylalanine.
Molecular consequence: missense variant.
Genome position (GRCh38, 1-based): chr3:38,728,784, C>A on the plus strand (G>T on the coding strand, the complement: SCN10A is on the minus strand). VCF-style: chr3-38728784-C-A. GRCh37 (hg19) VCF-style: chr3-38770275-C-A.
Other names: c.2398G>T, p.Val800Phe (NM_001293306.2); c.2104G>T, p.Val702Phe (NM_001293307.2); short protein forms V800F, V702F.
Identifiers: ClinVar variation 3438110 (VCV003438110.1).

ClinVar aggregate classification (germline): Uncertain significance (1 of 4 stars; one submission).

Conditions:
Cardiovascular phenotype. Identifiers: MedGen CN230736.

gnomAD v4.1: 4 of 1,614,174 alleles (0.00025%); highest among the groups gnomAD compares: Non-Finnish European, 0.00025%; no homozygotes.

Submission:

Ambry Genetics
Classification: Uncertain significance for Cardiovascular phenotype. Last evaluated: 2024-09-04. Review status: criteria provided, single submitter. Criteria: Ambry Variant Classification Scheme 2023. Collection method: clinical testing. Allele origin: germline.
Comment: The p.V800F variant (also known as c.2398G>T), located in coding exon 15 of the SCN10A gene, results from a G to T substitution at nucleotide position 2398. The valine at codon 800 is replaced by phenylalanine, an amino acid with highly similar properties. This amino acid position is conserved. In addition, the in silico prediction for this alteration is inconclusive. Based on the available evidence, the clinical significance of this variant remains unclear.